The following is an entry in ClinVar:

ClinVar aggregate classification (germline): Uncertain significance. Review status: criteria provided, multiple submitters, no conflicts (2 of 4 stars). 2 submissions from 2 submitters: Uncertain significance (2). Last evaluated 2024-03-13.

Allele frequency attached by ClinVar (database versions not stated): gnomAD exomes below 0.00001.
gnomAD v4.1: 3 of 1,612,074 alleles (0.00019%); highest among the groups gnomAD compares: Non-Finnish European, 0.00017%; no homozygotes.

Submissions (2):

Labcorp Genetics (formerly Invitae), Labcorp
Classification: Uncertain significance. Last evaluated: 2024-03-13. Review status: criteria provided, single submitter. Criteria: Invitae Variant Classification Sherloc (09022015). Collection method: clinical testing. Allele origin: germline.
Comment: This sequence change replaces tyrosine, which is neutral and polar, with asparagine, which is neutral and polar, at codon 394 of the CNGB3 protein (p.Tyr394Asn). This variant is present in population databases (no rsID available, gnomAD 0.003%). This variant has not been reported in the literature in individuals affected with CNGB3-related conditions. ClinVar contains an entry for this variant (Variation ID: 1415093). An algorithm developed to predict the effect of missense changes on protein structure and function (PolyPhen-2) suggests that this variant is likely to be disruptive. In summary, the available evidence is currently insufficient to determine the role of this variant in disease. Therefore, it has been classified as a Variant of Uncertain Significance.

Blueprint Genetics
Classification: Uncertain significance. Last evaluated: 2022-04-29. Review status: criteria provided, single submitter. Criteria: ACMG Guidelines, 2015. Collection method: clinical testing. Allele origin: germline.

NM_019098.5(CNGB3):c.1180T>A (p.Tyr394Asn)

Gene: CNGB3 (cyclic nucleotide gated channel subunit beta 3; minus strand). Cytogenetic location: 8q21.3.
Variant type: single nucleotide variant.
Coding change: c.1180T>A on transcript NM_019098.5 (MANE Select); coding-DNA position 1180, T replaced by A.
Protein change: p.Tyr394Asn; replaces tyrosine 394 with asparagine.
Molecular consequence: missense variant.
Genome position (GRCh38, 1-based): chr8:86,632,892, A>T on the plus strand (T>A on the coding strand, the complement: CNGB3 is on the minus strand). VCF-style: chr8-86632892-A-T. GRCh37 (hg19) VCF-style: chr8-87645120-A-T.
Other names: short protein forms Y394N.
Identifiers: ClinVar variation 1415093 (VCV001415093.6), dbSNP rs1336683722, ClinGen allele CA371444577.